The following is an entry in ClinVar:

NM_025137.4(SPG11):c.6811_6812del (p.Leu2271fs)

Gene: SPG11 (SPG11 vesicle trafficking associated, spatacsin; minus strand). Cytogenetic location: 15q21.1.
Variant type: Microsatellite.
Coding change: c.6811_6812del on transcript NM_025137.4 (MANE Select); coding-DNA positions 6811 to 6812, 2 bases deleted (CT; older notation c.6811_6812delCT).
Protein change: p.Leu2271fs; shifts the reading frame from leucine 2271.
Molecular consequence: frameshift variant.
Genome position (GRCh38, 1-based): chr15:44,566,248-44,566,249, AG deleted on the plus strand (CT on the coding strand, the reverse complement: SPG11 is on the minus strand); deleting any 2 consecutive bases within chr15:44,566,248-44,566,251 gives the same sequence; the c. name uses the placement nearest the transcript's 3' end. VCF-style (leftmost placement, unchanged base first): chr15-44566247-CAG-C. GRCh37 (hg19) VCF-style: chr15-44858445-CAG-C.
Other names: c.6811_6812delCT (NM_025137.4); c.6472_6473del, p.Leu2158fs (NM_001160227.2); short protein forms L2158fs, L2271fs.
Identifiers: ClinVar variation 1180685 (VCV001180685.8), dbSNP rs1268815918, ClinGen allele CA713047398.

ClinVar aggregate classification (germline): Pathogenic. Review status: criteria provided, multiple submitters, no conflicts (2 of 4 stars). 4 submissions from 4 submitters: Pathogenic (3). 1 of the submissions does not count toward it. Last evaluated 2022-06-02.

Conditions:
Abnormal central motor function. Identifiers: MedGen C4023354, HP:0011442.
Hereditary spastic paraplegia 11. Also called: Nakamura Osame syndrome; Autosomal recessive hereditary spastic paraplegia, mental impairment, and thin corpus callosum; Spastic Paraplegia 11; Spastic paraplegia, mental retardation and thin corpus callosum; SPASTIC PARAPLEGIA, AUTOSOMAL RECESSIVE, COMPLICATED, WITH THIN CORPUS CALLOSUM; SPASTIC PARAPLEGIA, AUTOSOMAL RECESSIVE, WITH MENTAL IMPAIRMENT AND THIN CORPUS CALLOSUM. Identifiers: Orphanet 2822, MedGen C1858479, MONDO:0011445, OMIM 604360.

Submissions (4):

Labcorp Genetics (formerly Invitae), Labcorp
Classification: Pathogenic for Hereditary spastic paraplegia 11. Last evaluated: 2022-06-02. Review status: criteria provided, single submitter. Criteria: Invitae Variant Classification Sherloc (09022015). Collection method: clinical testing. Allele origin: germline.
Comment: For these reasons, this variant has been classified as Pathogenic. This variant is also known as c.6809_6810delCT. This premature translational stop signal has been observed in individual(s) with SPG11-related conditions (PMID: 24833714, 29877287). This variant is not present in population databases (gnomAD no frequency). This sequence change creates a premature translational stop signal (p.Leu2271Aspfs*68) in the SPG11 gene. It is expected to result in an absent or disrupted protein product. Loss-of-function variants in SPG11 are known to be pathogenic (PMID: 19105190, 20110243, 22154821, 26556829).

Kariminejad - Najmabadi Pathology & Genetics Center
Classification: Pathogenic for Abnormal central motor function. Last evaluated: 2021-07-10. Review status: criteria provided, single submitter. Criteria: ACMG Guidelines, 2015. Collection method: clinical testing. Allele origin: germline. Affected: yes.

Institute of Human Genetics, University Hospital of Duesseldorf
Classification: Pathogenic for Hereditary spastic paraplegia 11. Review status: criteria provided, single submitter. Criteria: ACMG Guidelines, 2015. Collection method: not provided. Allele origin: germline. Inheritance: Autosomal recessive inheritance. Affected: yes.

Leeds Institute of Medical Research, University of Leeds
Classification: Pathogenic for Hereditary spastic paraplegia 11. Last evaluated: 2025-01-13. Review status: no assertion criteria provided. Collection method: research. Allele origin: germline. Affected: yes. Observed: 3 variant alleles. Not counted in ClinVar's aggregate classification.
Comment: This homozygous NM_025137.4:c.6811_6812del variant in SPG11 results in a frameshift and premature stop codon p.(Leu2271AspfsTer68). It is absent in gnomAD v4.0 and has a CADD v1.7 score of 34. The deletion segregates in a consanguineous family, with a phenotype consistant with biallelic pathogenic SPG11 variants, in an autosomal recessive mode of inheritance. The variant has been previously published as a cause of disease (PMID:24833714). The variant meets ACMG criteria PM3, PVS1, PM2 and PP5 and is classified as Pathogenic.

Literature cited by the submitters: PubMed 24833714 (cited by Labcorp Genetics (formerly Invitae), Labcorp); PubMed 29877287 (cited by Labcorp Genetics (formerly Invitae), Labcorp); PubMed 19105190 (cited by Labcorp Genetics (formerly Invitae), Labcorp); PubMed 20110243 (cited by Labcorp Genetics (formerly Invitae), Labcorp); PubMed 22154821 (cited by Labcorp Genetics (formerly Invitae), Labcorp); PubMed 26556829 (cited by Labcorp Genetics (formerly Invitae), Labcorp).